The following is an entry in ClinVar:

NM_182641.4(BPTF):c.219C>A (p.Ser73Arg)

Gene: BPTF (bromodomain PHD finger transcription factor; plus strand). Cytogenetic location: 17q24.2.
Variant type: single nucleotide variant.
Coding change: c.219C>A on transcript NM_182641.4 (MANE Select); coding-DNA position 219, C replaced by A.
Protein change: p.Ser73Arg; replaces serine 73 with arginine.
Molecular consequence: missense variant.
Genome position (GRCh38, 1-based): chr17:67,825,943, C>A. VCF-style: chr17-67825943-C-A. GRCh37 (hg19) VCF-style: chr17-65822059-C-A.
Other names: c.219C>A, p.Ser73Arg (NM_001439139.1, NM_001439140.1, NM_001439141.1 and 4 more transcripts); short protein forms S73R.
Identifiers: ClinVar variation 4760928 (VCV004760928.1).

ClinVar aggregate classification (germline): Uncertain significance (1 of 4 stars; one submission).

gnomAD v4.1: 78 of 1,013,602 alleles (0.0077%); highest among the groups gnomAD compares: Middle Eastern, 0.048%; no homozygotes.

Submission:

Labcorp Genetics (formerly Invitae), Labcorp
Classification: Uncertain significance. Last evaluated: 2025-10-27. Review status: criteria provided, single submitter. Criteria: Invitae Variant Classification Sherloc (09022015). Collection method: clinical testing. Allele origin: germline.
Comment: This sequence change replaces serine, which is neutral and polar, with arginine, which is basic and polar, at codon 73 of the BPTF protein (p.Ser73Arg). The frequency data for this variant in the population databases is considered unreliable, as metrics indicate insufficient coverage at this position in the gnomAD database. This variant has not been reported in the literature in individuals affected with BPTF-related conditions. Experimental studies and prediction algorithms are not available or were not evaluated, and the functional significance of this variant is currently unknown. In summary, the available evidence is currently insufficient to determine the role of this variant in disease. Therefore, it has been classified as a Variant of Uncertain Significance.